The following is an entry in ClinVar:

ClinVar aggregate classification (germline): Uncertain significance. Review status: criteria provided, multiple submitters, no conflicts (2 of 4 stars). 2 submissions from 2 submitters: Uncertain significance (2). Last evaluated 2025-12-16.

Conditions:
Hereditary cancer-predisposing syndrome. Also called: Hereditary Cancer Syndrome; Tumor predisposition; Neoplastic Syndromes, Hereditary; Hereditary neoplastic syndrome. Identifiers: Orphanet 140162, MedGen C0027672, MeSH D009386, MONDO:0015356.

Allele frequency attached by ClinVar (database versions not stated): gnomAD exomes below 0.00001 and 0.00001; ExAC 0.00002.
gnomAD v4.1: 4 of 1,612,544 alleles (0.00025%); highest among the groups gnomAD compares: South Asian, 0.0022%; no homozygotes.

Submissions (2):

Labcorp Genetics (formerly Invitae), Labcorp
Classification: Uncertain significance. Last evaluated: 2025-12-16. Review status: criteria provided, single submitter. Criteria: Invitae Variant Classification Sherloc (09022015). Collection method: clinical testing. Allele origin: germline.
Comment: This sequence change replaces threonine, which is neutral and polar, with isoleucine, which is neutral and non-polar, at codon 8 of the HOXB13 protein (p.Thr8Ile). This variant is present in population databases (rs747307642, gnomAD 0.003%). This variant has not been reported in the literature in individuals affected with HOXB13-related conditions. ClinVar contains an entry for this variant (Variation ID: 864102). An algorithm developed to predict the effect of missense changes on protein structure and function (PolyPhen-2) suggests that this variant is likely to be tolerated. In summary, the available evidence is currently insufficient to determine the role of this variant in disease. Therefore, it has been classified as a Variant of Uncertain Significance.

Ambry Genetics
Classification: Uncertain significance for Hereditary cancer-predisposing syndrome. Last evaluated: 2025-09-05. Review status: criteria provided, single submitter. Criteria: Ambry Variant Classification Scheme 2023. Collection method: clinical testing. Allele origin: germline.
Comment: The p.T8I variant (also known as c.23C>T), located in coding exon 1 of the HOXB13 gene, results from a C to T substitution at nucleotide position 23. The threonine at codon 8 is replaced by isoleucine, an amino acid with similar properties. This amino acid position is not well conserved in available vertebrate species. In addition, this alteration is predicted to be tolerated by in silico analysis. Based on the available evidence, the clinical significance of this variant remains unclear.

NM_006361.6(HOXB13):c.23C>T (p.Thr8Ile)

Gene: HOXB13 (homeobox B13; minus strand). Cytogenetic location: 17q21.32.
Variant type: single nucleotide variant.
Coding change: c.23C>T on transcript NM_006361.6 (MANE Select); coding-DNA position 23, C replaced by T.
Protein change: p.Thr8Ile; replaces threonine 8 with isoleucine.
Molecular consequence: missense variant.
Genome position (GRCh38, 1-based): chr17:48,728,571, G>A on the plus strand (C>T on the coding strand, the complement: HOXB13 is on the minus strand). VCF-style: chr17-48728571-G-A. GRCh37 (hg19) VCF-style: chr17-46805933-G-A.
Other names: short protein forms T8I.
Identifiers: ClinVar variation 864102 (VCV000864102.10), dbSNP rs747307642, ClinGen allele CA8634076.